The following is an entry in ClinVar:

NM_182961.4(SYNE1):c.17134G>T (p.Ala5712Ser)

Genes: SYNE1 (spectrin repeat containing nuclear envelope protein 1; minus strand), LOC126859837 (BRD4-independent group 4 enhancer GRCh37_chr6:152630775-152631974; plus strand). Cytogenetic location: 6q25.2.
Variant type: single nucleotide variant.
Coding change: c.17134G>T on transcript NM_182961.4 (MANE Select); coding-DNA position 17134, G replaced by T.
Protein change: p.Ala5712Ser; replaces alanine 5712 with serine.
Molecular consequence: missense variant.
Genome position (GRCh38, 1-based): chr6:152,309,903, C>A on the plus strand (G>T on the coding strand, the complement: SYNE1 is on the minus strand). VCF-style: chr6-152309903-C-A. GRCh37 (hg19) VCF-style: chr6-152631038-C-A.
Other names: c.16921G>T, p.Ala5641Ser (NM_033071.5); short protein forms A5641S, A5712S.
Identifiers: ClinVar variation 1361780 (VCV001361780.8), dbSNP rs2153836097, ClinGen allele CA366106940.

ClinVar aggregate classification (germline): Uncertain significance (1 of 4 stars; one submission).

Conditions:
Autosomal recessive ataxia, Beauce type. Also called: SYNE1-Related Autosomal Recessive Cerebellar Ataxia; SYNE1 Deficiency; Spinocerebellar ataxia, autosomal recessive 8; ATAXIA, RECESSIVE, OF BEAUCE. Identifiers: Orphanet 88644, MedGen C1853116, MONDO:0012549, OMIM 610743.
Emery-Dreifuss muscular dystrophy 4, autosomal dominant (EDMD4). Also called: EMERY-DREIFUSS MUSCULAR DYSTROPHY 4 WITH VARIABLE FEATURES. Identifiers: Orphanet 261, MedGen C2751807, MONDO:0013071, OMIM 612998.

Submission:

Labcorp Genetics (formerly Invitae), Labcorp
Classification: Uncertain significance for Emery-Dreifuss muscular dystrophy 4, autosomal dominant; Autosomal recessive ataxia, Beauce type. Last evaluated: 2021-06-23. Review status: criteria provided, single submitter. Criteria: Invitae Variant Classification Sherloc (09022015). Collection method: clinical testing. Allele origin: germline.
Comment: This variant is not present in population databases (ExAC no frequency). This sequence change replaces alanine with serine at codon 5641 of the SYNE1 protein (p.Ala5641Ser). The alanine residue is highly conserved and there is a moderate physicochemical difference between alanine and serine. This variant has not been reported in the literature in individuals with SYNE1-related conditions. In summary, the available evidence is currently insufficient to determine the role of this variant in disease. Therefore, it has been classified as a Variant of Uncertain Significance. Algorithms developed to predict the effect of missense changes on protein structure and function (SIFT, PolyPhen-2, Align-GVGD) all suggest that this variant is likely to be disruptive, but these predictions have not been confirmed by published functional studies and their clinical significance is uncertain.